The following is an entry in ClinVar:

NM_000197.2(HSD17B3):c.59G>T (p.Cys20Phe)

Genes: HSD17B3 (hydroxysteroid 17-beta dehydrogenase 3; minus strand), SLC35D2-HSD17B3 (SLC35D2-HSD17B3 readthrough; minus strand). Cytogenetic location: 9q22.32.
Variant type: single nucleotide variant.
Coding change: c.59G>T on transcript NM_000197.2 (MANE Select); coding-DNA position 59, G replaced by T.
Protein change: p.Cys20Phe; replaces cysteine 20 with phenylalanine.
Molecular consequence: missense variant. On other transcripts: non-coding transcript variant (1).
Genome position (GRCh38, 1-based): chr9:96,302,046, C>A on the plus strand (G>T on the coding strand, the complement: HSD17B3 is on the minus strand). VCF-style: chr9-96302046-C-A. GRCh37 (hg19) VCF-style: chr9-99064328-C-A.
Other names: short protein forms C20F.
Identifiers: ClinVar variation 3610606 (VCV003610606.2).

ClinVar aggregate classification (germline): Uncertain significance (1 of 4 stars; one submission).

gnomAD v4.1: 1 of 1,614,168 alleles (0.000062%); highest among the groups gnomAD compares: Non-Finnish European, 0.000085%; no homozygotes.

Submission:

Labcorp Genetics (formerly Invitae), Labcorp
Classification: Uncertain significance. Last evaluated: 2024-10-22. Review status: criteria provided, single submitter. Criteria: Invitae Variant Classification Sherloc (09022015). Collection method: clinical testing. Allele origin: germline.
Comment: This sequence change replaces cysteine, which is neutral and slightly polar, with phenylalanine, which is neutral and non-polar, at codon 20 of the HSD17B3 protein (p.Cys20Phe). This variant is not present in population databases (gnomAD no frequency). This variant has not been reported in the literature in individuals affected with HSD17B3-related conditions. Invitae Evidence Modeling of protein sequence and biophysical properties (such as structural, functional, and spatial information, amino acid conservation, physicochemical variation, residue mobility, and thermodynamic stability) indicates that this missense variant is not expected to disrupt HSD17B3 protein function with a negative predictive value of 80%. In summary, the available evidence is currently insufficient to determine the role of this variant in disease. Therefore, it has been classified as a Variant of Uncertain Significance.